The following is an entry in ClinVar:

ClinVar aggregate classification (germline): Uncertain significance. Review status: criteria provided, multiple submitters, no conflicts (2 of 4 stars). 2 submissions from 2 submitters: Uncertain significance (2). Last evaluated 2025-08-07.

Conditions:
DNMT1-related disorder. Also called: DNMT1-related condition. Identifiers: MedGen CN381527.
Hereditary sensory neuropathy-deafness-dementia syndrome. Also called: Hereditary Sensory and Autonomic Neuropathy Type 1E (HSAN1E); HSN IE; Hereditary sensory neuropathy type IE; NEUROPATHY, HEREDITARY SENSORY, WITH HEARING LOSS AND DEMENTIA. Identifiers: Orphanet 456318, MedGen C3279885, MONDO:0013584, OMIM 614116.

Allele frequency attached by ClinVar (database versions not stated): TOPMed below 0.00001; gnomAD 0.00001; gnomAD exomes 0.00001 and 0.00003; ExAC 0.00003.
gnomAD v4.1: 20 of 1,614,012 alleles (0.0012%); highest among the groups gnomAD compares: South Asian, 0.02%; no homozygotes.

Submissions (2):

PreventionGenetics, part of Exact Sciences
Classification: Uncertain significance for DNMT1-related condition. Last evaluated: 2025-08-07. Review status: criteria provided, single submitter. Criteria: ACMG Guidelines, 2015. Collection method: clinical testing. Allele origin: germline.
Comment: The DNMT1 c.2627G>A variant is predicted to result in the amino acid substitution p.Gly876Glu. To our knowledge, this variant has not been reported in the literature. This variant is reported in 0.026% of alleles in individuals of South Asian descent in gnomAD. Although we suspect that this variant may be benign, at this time, the clinical significance of this variant is uncertain due to the absence of conclusive functional and genetic evidence.

Labcorp Genetics (formerly Invitae), Labcorp
Classification: Uncertain significance for Hereditary sensory neuropathy-deafness-dementia syndrome. Last evaluated: 2024-02-05. Review status: criteria provided, single submitter. Criteria: Invitae Variant Classification Sherloc (09022015). Collection method: clinical testing. Allele origin: germline.
Comment: This sequence change replaces glycine, which is neutral and non-polar, with glutamic acid, which is acidic and polar, at codon 876 of the DNMT1 protein (p.Gly876Glu). This variant is present in population databases (rs753140952, gnomAD 0.03%). This variant has not been reported in the literature in individuals affected with DNMT1-related conditions. ClinVar contains an entry for this variant (Variation ID: 966882). Advanced modeling of protein sequence and biophysical properties (such as structural, functional, and spatial information, amino acid conservation, physicochemical variation, residue mobility, and thermodynamic stability) performed at Invitae indicates that this missense variant is not expected to disrupt DNMT1 protein function with a negative predictive value of 80%. In summary, the available evidence is currently insufficient to determine the role of this variant in disease. Therefore, it has been classified as a Variant of Uncertain Significance.

NM_001130823.3(DNMT1):c.2627G>A (p.Gly876Glu)

Gene: DNMT1 (DNA methyltransferase 1; minus strand). Cytogenetic location: 19p13.2.
Variant type: single nucleotide variant.
Coding change: c.2627G>A on transcript NM_001130823.3 (MANE Select); coding-DNA position 2627, G replaced by A.
Protein change: p.Gly876Glu; replaces glycine 876 with glutamic acid.
Molecular consequence: missense variant.
Genome position (GRCh38, 1-based): chr19:10,148,977, C>T on the plus strand (G>A on the coding strand, the complement: DNMT1 is on the minus strand). VCF-style: chr19-10148977-C-T. GRCh37 (hg19) VCF-style: chr19-10259653-C-T.
Other names: c.2579G>A, p.Gly860Glu (NM_001318730.2, NM_001379.4); c.2264G>A, p.Gly755Glu (NM_001318731.2); c.2627G>A (NM_001130823.2); short protein forms G860E, G876E, G755E.
Identifiers: ClinVar variation 966882 (VCV000966882.8), dbSNP rs753140952, ClinGen allele CA9187985.